The following is an entry in ClinVar:

ClinVar aggregate classification (germline): Uncertain significance (1 of 4 stars; one submission).

gnomAD v4.1: 2 of 1,609,020 alleles (0.00012%); highest among the groups gnomAD compares: African/African-American, 0.0013%; no homozygotes.

Submission:

Ambry Genetics
Classification: Uncertain significance. Last evaluated: 2023-03-04. Review status: criteria provided, single submitter. Criteria: Ambry Variant Classification Scheme 2023. Collection method: clinical testing. Allele origin: germline.
Comment: The p.M2562L variant (also known as c.7684A>C), located in coding exon 30 of the POLQ gene, results from an A to C substitution at nucleotide position 7684. The methionine at codon 2562 is replaced by leucine, an amino acid with highly similar properties. This amino acid position is conserved. In addition, this alteration is predicted to be deleterious by in silico analysis. Since supporting evidence is limited at this time, the clinical significance of this alteration remains unclear.

NM_199420.4(POLQ):c.7684A>C (p.Met2562Leu)

Gene: POLQ (DNA polymerase theta; minus strand). Cytogenetic location: 3q13.33.
Variant type: single nucleotide variant.
Coding change: c.7684A>C on transcript NM_199420.4 (MANE Select); coding-DNA position 7684, A replaced by C.
Protein change: p.Met2562Leu; replaces methionine 2562 with leucine.
Molecular consequence: missense variant.
Genome position (GRCh38, 1-based): chr3:121,432,393, T>G on the plus strand (A>C on the coding strand, the complement: POLQ is on the minus strand). VCF-style: chr3-121432393-T-G. GRCh37 (hg19) VCF-style: chr3-121151240-T-G.
Other names: short protein forms M2562L.
Identifiers: ClinVar variation 2497198 (VCV002497198.2), dbSNP rs142930622, ClinGen allele CA354093083.